The following is an entry in ClinVar:

NM_000548.5(TSC2):c.4990-1G>A

Gene: TSC2 (TSC complex subunit 2; plus strand). Cytogenetic location: 16p13.3.
Variant type: single nucleotide variant.
Coding change: c.4990-1G>A on transcript NM_000548.5 (MANE Select); the canonical splice acceptor site of the intron before coding-DNA position 4990, G replaced by A.
Molecular consequence: splice acceptor variant.
Genome position (GRCh38, 1-based): chr16:2,087,862, G>A. VCF-style: chr16-2087862-G-A. GRCh37 (hg19) VCF-style: chr16-2137863-G-A.
Other names: c.3448-1G>A (NM_001406693.1, NM_001406692.1, NM_001406694.1); c.4882-1G>A (NM_001406667.1); c.4879-1G>A (NM_001406668.1); c.4390-1G>A (NM_001406680.1); c.4321-1G>A (NM_001406683.1, NM_001406682.1); c.4189-1G>A (NM_001406687.1, NM_001406688.1); c.3577-1G>A (NM_001406689.1); c.3517-1G>A (NM_001406690.1); and 26 more.
Identifiers: ClinVar variation 448734 (VCV000448734.14), dbSNP rs1555439650, ClinGen allele CA394310850.

ClinVar aggregate classification (germline): Conflicting classifications of pathogenicity. Review status: criteria provided, conflicting classifications (1 of 4 stars). 5 submissions from 5 submitters: Pathogenic (2); Likely pathogenic (2); Uncertain significance (1). Last evaluated 2024-11-01.

Conditions:
Hereditary cancer-predisposing syndrome. Also called: Tumor predisposition; Hereditary Cancer Syndrome; Neoplastic Syndromes, Hereditary; Hereditary neoplastic syndrome. Identifiers: Orphanet 140162, MedGen C0027672, MeSH D009386, MONDO:0015356.
Tuberous sclerosis 2 (TSC2). Identifiers: Orphanet 805, MedGen C1860707, MONDO:0013199, OMIM 613254.

Submissions (5):

Ambry Genetics
Classification: Uncertain significance for Hereditary cancer-predisposing syndrome. Last evaluated: 2024-11-01. Review status: criteria provided, single submitter. Criteria: Ambry Variant Classification Scheme 2023. Collection method: clinical testing. Allele origin: germline.
Comment: The c.4990-1G>A intronic variant results from a G to A substitution one nucleotide upstream from coding exon 38 of the TSC2 gene. This nucleotide position is highly conserved in available vertebrate species. In silico splice site analysis predicts that this alteration will weaken the native splice acceptor site and will result in the creation or strengthening of a novel splice acceptor site. Alterations that disrupt the canonical splice site are expected to cause aberrant splicing, resulting in an abnormal protein or a transcript that is subject to nonsense-mediated mRNA decay. RNA studies have demonstrated that this alteration results in a transcript predicted to lead to a protein with an in-frame deletion of two amino acids; however, the exact functional impact of the deleted amino acids is unknown at this time (Ambry internal data). Based on the available evidence, the clinical significance of this variant remains unclear.

GeneDx
Classification: Pathogenic. Last evaluated: 2023-11-15. Review status: criteria provided, single submitter. Criteria: GeneDx Variant Classification Process June 2021. Collection method: clinical testing. Allele origin: germline. Affected: yes.
Comment: Canonical splice site variant predicted to result in a null allele in a gene for which loss of function is a known mechanism of disease; Not observed at significant frequency in large population cohorts (gnomAD); Has not been previously published as pathogenic or benign to our knowledge

Labcorp Genetics (formerly Invitae), Labcorp
Classification: Likely pathogenic for Tuberous sclerosis 2. Last evaluated: 2023-09-06. Review status: criteria provided, single submitter. Criteria: Invitae Variant Classification Sherloc (09022015). Collection method: clinical testing. Allele origin: germline.
Comment: In summary, the currently available evidence indicates that the variant is pathogenic, but additional data are needed to prove that conclusively. Therefore, this variant has been classified as Likely Pathogenic. Algorithms developed to predict the effect of sequence changes on RNA splicing suggest that this variant may disrupt the consensus splice site. This variant has not been reported in the literature in individuals affected with TSC2-related conditions. This variant is not present in population databases (gnomAD no frequency). ClinVar contains an entry for this variant (Variation ID: 448734). This sequence change affects an acceptor splice site in intron 38 of the TSC2 gene. It is expected to disrupt RNA splicing. Variants that disrupt the donor or acceptor splice site typically lead to a loss of protein function (PMID: 16199547), and loss-of-function variants in TSC2 are known to be pathogenic (PMID: 10205261, 17304050).

Revvity Omics, Revvity
Classification: Likely pathogenic for Tuberous sclerosis 2. Last evaluated: 2021-01-21. Review status: criteria provided, single submitter. Criteria: ACMG Guidelines, 2015. Collection method: clinical testing. Allele origin: germline.

Athena Diagnostics
Classification: Pathogenic. Last evaluated: 2016-11-09. Review status: criteria provided, single submitter. Criteria: Athena Diagnostics Criteria. Collection method: clinical testing. Allele origin: germline.

Literature cited by the submitters: PubMed 16199547 (cited by Labcorp Genetics (formerly Invitae), Labcorp); PubMed 10205261 (cited by Labcorp Genetics (formerly Invitae), Labcorp); PubMed 17304050 (cited by Labcorp Genetics (formerly Invitae), Labcorp).